The following is an entry in ClinVar:

NM_001127208.3(TET2):c.1058G>A (p.Cys353Tyr)

Genes: TET2 (tet methylcytosine dioxygenase 2; plus strand), TET2-AS1 (TET2 antisense RNA 1; minus strand). Cytogenetic location: 4q24.
Variant type: single nucleotide variant.
Coding change: c.1058G>A on transcript NM_001127208.3 (MANE Select); coding-DNA position 1058, G replaced by A.
Protein change: p.Cys353Tyr; replaces cysteine 353 with tyrosine.
Molecular consequence: missense variant.
Genome position (GRCh38, 1-based): chr4:105,235,000, G>A. VCF-style: chr4-105235000-G-A. GRCh37 (hg19) VCF-style: chr4-106156157-G-A.
Other names: c.1058G>A, p.Cys353Tyr (NM_017628.4); short protein forms C353Y.
Identifiers: ClinVar variation 3967484 (VCV003967484.1).
Genomic context (GRCh38, chr4:105,235,000, plus strand): 5'-CATCTCCTGCAGAAAATAACATCCAGGGAACCACAAAGCTAGCGTCTGGTGAAGAATTCT[G>A]TTCAGGTTCCAGCAGCAATTTGCAAGCTCCTGGTGGCAGCTCTGAACGGTATTTAAAACA-3'
Protein context (NP_001120680.1, residues 343-363): TTKLASGEEF[Cys353Tyr]SGSSSNLQAP

ClinVar aggregate classification (germline): Uncertain significance (1 of 4 stars; one submission).

Submission:

Ambry Genetics
Classification: Uncertain significance. Last evaluated: 2025-03-25. Review status: criteria provided, single submitter. Criteria: Ambry Variant Classification Scheme 2023. Collection method: clinical testing. Allele origin: germline.
Comment: The p.C353Y variant (also known as c.1058G>A), located in coding exon 1 of the TET2 gene, results from a G to A substitution at nucleotide position 1058. The cysteine at codon 353 is replaced by tyrosine, an amino acid with highly dissimilar properties. This amino acid position is conserved. In addition, this alteration is predicted to be tolerated by in silico analysis. Based on the available evidence, the clinical significance of this variant remains unclear.